The following is an entry in ClinVar:

ClinVar aggregate classification (germline): Uncertain significance (1 of 4 stars; one submission).

Conditions:
Duchenne muscular dystrophy (DMD). Also called: MUSCULAR DYSTROPHY, PSEUDOHYPERTROPHIC PROGRESSIVE, DUCHENNE TYPE; Duchenne Muscular Dystrophy (DMD). Identifiers: Orphanet 98896, MedGen C0013264, MONDO:0010679, OMIM 310200.

gnomAD v4.1: 6 of 1,210,241 alleles (0.0005%); highest among the groups gnomAD compares: Non-Finnish European, 0.00056%; no homozygotes.

Submission:

Labcorp Genetics (formerly Invitae), Labcorp
Classification: Uncertain significance for Duchenne muscular dystrophy. Last evaluated: 2024-01-08. Review status: criteria provided, single submitter. Criteria: Invitae Variant Classification Sherloc (09022015). Collection method: clinical testing. Allele origin: germline.
Comment: This sequence change replaces histidine, which is basic and polar, with aspartic acid, which is acidic and polar, at codon 2688 of the DMD protein (p.His2688Asp). This variant is not present in population databases (gnomAD no frequency). This variant has not been reported in the literature in individuals affected with DMD-related conditions. ClinVar contains an entry for this variant (Variation ID: 1405282). Advanced modeling of protein sequence and biophysical properties (such as structural, functional, and spatial information, amino acid conservation, physicochemical variation, residue mobility, and thermodynamic stability) performed at Invitae indicates that this missense variant is not expected to disrupt DMD protein function with a negative predictive value of 95%. In summary, the available evidence is currently insufficient to determine the role of this variant in disease. Therefore, it has been classified as a Variant of Uncertain Significance.

NM_004006.3(DMD):c.8062C>G (p.His2688Asp)

Gene: DMD (dystrophin; minus strand). Cytogenetic location: Xp21.1.
Variant type: single nucleotide variant.
Coding change: c.8062C>G on transcript NM_004006.3 (MANE Select); coding-DNA position 8062, C replaced by G.
Protein change: p.His2688Asp; replaces histidine 2688 with aspartic acid.
Molecular consequence: missense variant.
Genome position (GRCh38, 1-based): chrX:31,627,828, G>C on the plus strand (C>G on the coding strand, the complement: DMD is on the minus strand). VCF-style: chrX-31627828-G-C. GRCh37 (hg19) VCF-style: chrX-31645945-G-C.
Other names: c.8038C>G, p.His2680Asp (NM_000109.4); c.8050C>G, p.His2684Asp (NM_004009.3); c.7693C>G, p.His2565Asp (NM_004010.3); c.4039C>G, p.His1347Asp (NM_004011.4); c.4030C>G, p.His1344Asp (NM_004012.4); c.682C>G, p.His228Asp (NM_004013.3, NM_004020.4, NM_004021.3 and 2 more transcripts); short protein forms H1347D, H2680D, H1344D, H2565D, H2684D, H2688D, H228D.
Identifiers: ClinVar variation 1405282 (VCV001405282.7), dbSNP rs2148423329, ClinGen allele CA412657384.
Genomic context (GRCh38, chrX:31,627,828, plus strand): 5'-CTTCTGTAAGCCAGGCAAGAAACTTTTCCAGGTCCAGGGGGAACTGTTGCAGTAATCTAT[G>C]AGTTTCTTCCAAAGCAGCCTCTCGCTCACTCACCCTGCAAAGGACCAAATGTTCAGATGC-3'
Protein context (NP_003997.2, residues 2678-2698): SEREAALEET[His2688Asp]RLLQQFPLDL